The following is an entry in ClinVar:

ClinVar aggregate classification (germline): Uncertain significance (1 of 4 stars; one submission).

Conditions:
Familial melanoma. Also called: Hereditary melanoma; Hereditary cutaneous melanoma. Identifiers: Orphanet 618, MedGen C1512419, MONDO:0018961.

Submission:

Labcorp Genetics (formerly Invitae), Labcorp
Classification: Uncertain significance for Familial melanoma. Last evaluated: 2022-06-13. Review status: criteria provided, single submitter. Criteria: Invitae Variant Classification Sherloc (09022015). Collection method: clinical testing. Allele origin: germline.
Comment: In summary, the available evidence is currently insufficient to determine the role of this variant in disease. Therefore, it has been classified as a Variant of Uncertain Significance. This sequence change replaces glutamic acid, which is acidic and polar, with glycine, which is neutral and non-polar, at codon 33 of the CDKN2A (p16INK4a) protein (p.Glu33Gly). This variant is not present in population databases (gnomAD no frequency). This variant has not been reported in the literature in individuals affected with CDKN2A (p16INK4a)-related conditions. Algorithms developed to predict the effect of missense changes on protein structure and function are either unavailable or do not agree on the potential impact of this missense change (SIFT: "Deleterious"; PolyPhen-2: "Benign"; Align-GVGD: "Class C0"). Experimental studies have shown that this missense change affects CDKN2A (p16INK4a) function (PMID: 8573142).

Literature cited by the submitters: PubMed 8573142.

NM_000077.5(CDKN2A):c.98A>G (p.Glu33Gly)

Gene: CDKN2A (cyclin dependent kinase inhibitor 2A; minus strand). Cytogenetic location: 9p21.3.
Variant type: single nucleotide variant.
Coding change: c.98A>G on transcript NM_000077.5; coding-DNA position 98, A replaced by G.
Protein change: p.Glu33Gly; replaces glutamic acid 33 with glycine.
Molecular consequence: missense variant (on NM_000077.6). On other transcripts: intron variant (2).
Genome position (GRCh38, 1-based): chr9:21,974,730, T>C on the plus strand (A>G on the coding strand, the complement: CDKN2A is on the minus strand). VCF-style: chr9-21974730-T-C. GRCh37 (hg19) VCF-style: chr9-21974729-T-C.
Other names: c.98A>G, p.Glu33Gly (NM_000077.6, NM_001195132.2, NM_058197.5); c.-3-3522A>G (NM_001363763.2); c.194-3522A>G (NM_058195.4); short protein forms E33G.
Identifiers: ClinVar variation 2005989 (VCV002005989.4), dbSNP rs2489291265, ClinGen allele CA373086569.
Genomic context (GRCh38, chr9:21,974,730, plus strand): 5'-CTACCCACCTGGATCGGCCTCCGACCGTAACTATTCGGTGCGTTGGGCAGCGCCCCCGCC[T>C]CCAGCAGCGCCCGCACCTCCTCTACCCGACCCCGGGCCGCGGCCGTGGCCAGCCAGTCAG-3'
Protein context (NP_000068.1, residues 23-43): GRVEEVRALL[Glu33Gly]AGALPNAPNS